The following is an entry in ClinVar:

NM_016938.5(EFEMP2):c.509A>G (p.Tyr170Cys)

Gene: EFEMP2 (EGF-like fibulin extracellular matrix protein 2; minus strand). Cytogenetic location: 11q13.1.
Variant type: single nucleotide variant.
Coding change: c.509A>G on transcript NM_016938.5 (MANE Select); coding-DNA position 509, A replaced by G.
Protein change: p.Tyr170Cys; replaces tyrosine 170 with cysteine.
Molecular consequence: missense variant. On other transcripts: non-coding transcript variant (1).
Genome position (GRCh38, 1-based): chr11:65,870,219, T>C on the plus strand (A>G on the coding strand, the complement: EFEMP2 is on the minus strand). VCF-style: chr11-65870219-T-C. GRCh37 (hg19) VCF-style: chr11-65637690-T-C.
Other names: short protein forms Y170C.
Identifiers: ClinVar variation 4614071 (VCV004614071.1).

ClinVar aggregate classification (germline): Uncertain significance (1 of 4 stars; one submission).

Conditions:
Cardiovascular phenotype. Identifiers: MedGen CN230736.

gnomAD v4.1: 1 of 1,613,326 alleles (0.000062%); highest among the groups gnomAD compares: Non-Finnish European, 0.000085%; no homozygotes.

Submission:

Ambry Genetics
Classification: Uncertain significance for Cardiovascular phenotype. Last evaluated: 2025-10-26. Review status: criteria provided, single submitter. Criteria: Ambry Variant Classification Scheme 2023. Collection method: clinical testing. Allele origin: germline.
Comment: The p.Y170C variant (also known as c.509A>G), located in coding exon 5 of the EFEMP2 gene, results from an A to G substitution at nucleotide position 509. The tyrosine at codon 170 is replaced by cysteine, an amino acid with highly dissimilar properties. This amino acid position is conserved. In addition, this alteration is predicted to be deleterious by in silico analysis. Based on the available evidence, the clinical significance of this variant remains unclear.